The following is an entry in ClinVar:

ClinVar aggregate classification (germline): other (0 of 4 stars; one submission).

Conditions:
Familial colorectal cancer. Identifiers: MedGen CN280943, MONDO:0023113. Disease mechanism: loss of function.

Submission:

Systems Biology Platform Zhejiang California International NanoSystems Institute
Classification: other for Familial colorectal cancer. Review status: no assertion criteria provided. Collection method: not provided. Allele origin: unknown.
ClinVar note: Converted during submission from cancer to other.

NM_001127511.3(APC):c.165+26388T>C

Gene: APC (APC regulator of Wnt signaling pathway; plus strand). Cytogenetic location: 5q22.2.
Variant type: single nucleotide variant.
Coding change: c.165+26388T>C on transcript NM_001127511.3; 26388 bases into the intron after coding-DNA position 165, T replaced by C.
Molecular consequence: intron variant.
Genome position (GRCh38, 1-based): chr5:112,734,270, T>C. VCF-style: chr5-112734270-T-C. GRCh37 (hg19) VCF-style: chr5-112069967-T-C.
Other names: c.-18-20603T>C (NM_001407458.1, NM_001407447.1, NM_001354895.2 and 7 more transcripts); c.-43+26621T>C (NM_001407453.1); c.-1053-20603T>C (NM_001407470.1, NM_001407472.1); c.165+26388T>C (NM_001407446.1, NM_001354897.2, NM_001354902.2).
Identifiers: ClinVar variation 82314 (VCV000082314.4), dbSNP rs76453062, ClinGen allele CA023589.